The following is an entry in ClinVar:

NC_012920.1(MT-CYB):m.15238C>A

Gene: MT-CYB (mitochondrially encoded cytochrome b; plus strand).
Variant type: single nucleotide variant.
Genome position: chrM-15238-C-A.
Identifiers: ClinVar variation 693851 (VCV000693851.1), dbSNP rs1603225166, ClinGen allele CA913173322.

ClinVar aggregate classification (germline): Uncertain significance (1 of 4 stars; one submission).

Conditions:
Leigh syndrome (NULS). Also called: Leigh's necrotizing encephalopathy; Leigh's disease; Leigh's syndrome; LEIGH SYNDROME, NUCLEAR; Leigh Syndrome (mtDNA deletion); Leigh Disease. Identifiers: Orphanet 506, MedGen C2931891, MONDO:0009723, OMIM 256000.

Submission:

Wong Mito Lab, Molecular and Human Genetics, Baylor College of Medicine
Classification: Uncertain significance for Leigh syndrome. Last evaluated: 2019-10-17. Review status: criteria provided, single submitter. Criteria: Modified ACMG Guidelines (Unpublished). Collection method: clinical testing. Allele origin: germline.
Comment: The NC_012920.1:m.15238C>A (YP_003024038.1:p.Ile164Met) variant in MTCYB gene is interpretated to be a Uncertain Significance variant based on the modified ACMG guidelines (unpublished). This variant meets the following evidence codes: PP4